The following is an entry in ClinVar:

ClinVar aggregate classification (germline): Uncertain significance (1 of 4 stars; one submission).

gnomAD v4.1: 1 of 1,612,994 alleles (0.000062%); highest among the groups gnomAD compares: South Asian, 0.0011%; no homozygotes.

Submission:

GeneDx
Classification: Uncertain significance. Last evaluated: 2024-01-07. Review status: criteria provided, single submitter. Criteria: GeneDx Variant Classification Process June 2021. Collection method: clinical testing. Allele origin: germline. Affected: yes.
Comment: Not observed at significant frequency in large population cohorts (gnomAD); In silico analysis supports that this missense variant does not alter protein structure/function; Has not been previously published as pathogenic or benign to our knowledge

NM_020822.3(KCNT1):c.3158C>G (p.Pro1053Arg)

Gene: KCNT1 (potassium sodium-activated channel subfamily T member 1; plus strand). Cytogenetic location: 9q34.3.
Variant type: single nucleotide variant.
Coding change: c.3158C>G on transcript NM_020822.3 (MANE Select); coding-DNA position 3158, C replaced by G.
Protein change: p.Pro1053Arg; replaces proline 1053 with arginine.
Molecular consequence: missense variant.
Genome position (GRCh38, 1-based): chr9:135,785,311, C>G. VCF-style: chr9-135785311-C-G. GRCh37 (hg19) VCF-style: chr9-138677157-C-G.
Other names: c.3023C>G, p.Pro1008Arg (NM_001272003.2); short protein forms P1008R, P1053R.
Identifiers: ClinVar variation 3367528 (VCV003367528.1).
Genomic context (GRCh38, chr9:135,785,311, plus strand): 5'-GCGGCGTGGGGGGCAGGGGTGCGCCCACAGGTCCCAGACTGCGCCTGTTTCCTTTGCAGC[C>G]CCACGACCTCAGAGCCCAGGTAAGCAACCCCTCCGTGCCCACGCAGCTTCTGCGGAGCAC-3'
Protein context (NP_065873.2, residues 1043-1063): TESHVFSTSE[Pro1053Arg]HDLRAQSQIS